The following is an entry in ClinVar:

ClinVar aggregate classification (germline): Benign/Likely benign. Review status: criteria provided, multiple submitters, no conflicts (2 of 4 stars). 7 submissions from 7 submitters: Benign (3); Likely benign (3). 1 of the submissions does not count toward it. Last evaluated 2026-08-01.

Conditions:
PDGFRA-related disorder. Also called: PDGFRA-related condition.
Polyps, multiple and recurrent inflammatory fibroid, gastrointestinal. Identifiers: MedGen C5193005, MONDO:0008285, OMIM 175510.
Hereditary cancer-predisposing syndrome. Also called: Hereditary neoplastic syndrome; Hereditary Cancer Syndrome; Neoplastic Syndromes, Hereditary; Tumor predisposition. Identifiers: Orphanet 140162, MedGen C0027672, MeSH D009386, MONDO:0015356.
Gastrointestinal stromal tumor. Also called: Gastrointestinal stroma tumor; Gastrointestinal stromal tumor, somatic. Identifiers: Orphanet 44890, MedGen C0238198, MeSH D046152, MONDO:0011719, OMIM 606764, HP:0100723.

Allele frequency attached by ClinVar (database versions not stated): gnomAD exomes 0.00015 and 0.00022; gnomAD 0.00016 and 0.00017; ExAC 0.00022; TOPMed 0.00022; ESP Exome Variant Server 0.00023.
gnomAD v4.1: 246 of 1,614,068 alleles (0.015%); highest among the groups gnomAD compares: Admixed American, 0.027%; no homozygotes.

Submissions (7):

CeGaT Center for Human Genetics Tuebingen
Classification: Likely benign. Last evaluated: 2026-08-01. Review status: criteria provided, single submitter. Criteria: CeGaT Center For Human Genetics Tuebingen Variant Classification Criteria Version 2. Collection method: clinical testing. Allele origin: germline. Affected: yes. Observed: 1 variant allele.
Comment: PDGFRA: BP4

Myriad Genetics, Inc.
Classification: Benign for Polyps, multiple and recurrent inflammatory fibroid, gastrointestinal. Last evaluated: 2026-06-16. Review status: criteria provided, single submitter. Criteria: Myriad Autosomal Dominant, Autosomal Recessive and X-Linked Classification Criteria (2023). Collection method: clinical testing. Allele origin: unknown.
Comment: This variant is considered benign. This variant is a silent/synonymous amino acid change and it is not expected to impact splicing.

Labcorp Genetics (formerly Invitae), Labcorp
Classification: Benign for Gastrointestinal stromal tumor. Last evaluated: 2026-01-27. Review status: criteria provided, single submitter. Criteria: Invitae Variant Classification Sherloc (09022015). Collection method: clinical testing. Allele origin: germline.

Laboratory of Genetics, Children's Clinical University Hospital Latvia
Classification: Benign. Last evaluated: 2025-02-16. Review status: criteria provided, single submitter. Criteria: ACMG Guidelines, 2015. Collection method: clinical testing. Allele origin: germline. Affected: yes.

Blueprint Genetics
Classification: Likely benign. Last evaluated: 2024-10-18. Review status: criteria provided, single submitter. Criteria: ACMG Guidelines, 2015. Collection method: clinical testing. Allele origin: germline.

Ambry Genetics
Classification: Likely benign for Hereditary cancer-predisposing syndrome. Last evaluated: 2019-08-14. Review status: criteria provided, single submitter. Criteria: Ambry Variant Classification Scheme 2023. Collection method: clinical testing. Allele origin: germline.

PreventionGenetics, part of Exact Sciences
Classification: Likely benign for PDGFRA-related condition. Last evaluated: 2021-02-22. Review status: no assertion criteria provided. Collection method: clinical testing. Allele origin: germline. Not counted in ClinVar's aggregate classification.
Comment: This variant is classified as likely benign based on ACMG/AMP sequence variant interpretation guidelines (Richards et al. 2015 PMID: 25741868, with internal and published modifications).

NM_006206.6(PDGFRA):c.231C>T (p.Asn77=)

Gene: PDGFRA (platelet derived growth factor receptor alpha; plus strand). Cytogenetic location: 4q12.
Variant type: single nucleotide variant.
Coding change: c.231C>T on transcript NM_006206.6 (MANE Select); coding-DNA position 231, C replaced by T.
Protein change: p.Asn77=; no amino-acid change (asparagine 77 retained).
Molecular consequence: synonymous variant.
Genome position (GRCh38, 1-based): chr4:54,261,276, C>T. VCF-style: chr4-54261276-C-T. GRCh37 (hg19) VCF-style: chr4-55127443-C-T.
Other names: c.231C>T, p.Asn77= (NM_001347827.2, NM_001347829.2); c.306C>T, p.Asn102= (NM_001347828.2); c.270C>T, p.Asn90= (NM_001347830.2); c.231C>T (NM_006206.5).
Identifiers: ClinVar variation 240328 (VCV000240328.22), dbSNP rs143939281, ClinGen allele CA2922246.